The following is an entry in ClinVar:

ClinVar aggregate classification (germline): Uncertain significance (1 of 4 stars; one submission).

Conditions:
ATP2B1-related disorder. Also called: ATP2B1-related condition.

gnomAD v4.1: 1 of 1,603,334 alleles (0.000062%); no homozygotes.

Submission:

PreventionGenetics, part of Exact Sciences
Classification: Uncertain significance for ATP2B1-related condition. Last evaluated: 2025-06-10. Review status: criteria provided, single submitter. Criteria: ACMG Guidelines, 2015. Collection method: clinical testing. Allele origin: germline.
Comment: The ATP2B1 c.406+9A>G variant is predicted to interfere with splicing. This variant is predicted to disrupt splicing based on one available splicing algorithm (SpliceAI, Jaganathan et al. 2019. PubMed ID: 30661751). To our knowledge, this variant has not been reported in the literature or in a large population database (gnomAD), indicating this variant is rare. At this time, the clinical significance of this variant is uncertain due to the absence of conclusive functional and genetic evidence.

NM_001366521.1(ATP2B1):c.406+9A>G

Gene: ATP2B1 (ATPase plasma membrane Ca2+ transporting 1; minus strand). Cytogenetic location: 12q21.33.
Variant type: single nucleotide variant.
Coding change: c.406+9A>G on transcript NM_001366521.1 (MANE Select); 9 bases into the intron after coding-DNA position 406, A replaced by G.
Molecular consequence: intron variant.
Genome position (GRCh38, 1-based): chr12:89,642,149, T>C on the plus strand (A>G on the coding strand, the complement: ATP2B1 is on the minus strand). VCF-style: chr12-89642149-T-C. GRCh37 (hg19) VCF-style: chr12-90035926-T-C.
Other names: c.209-6898A>G (NM_001413053.1, NM_001366530.1); c.406+9A>G (NM_001413060.1, NM_001366531.1, NM_001413056.1 and 23 more transcripts); c.209-7246A>G (NM_001413057.1).
Identifiers: ClinVar variation 4997501 (VCV004997501.1).
Genomic context (GRCh38, chr12:89,642,149, plus strand): 5'-ATTGTGCATTAACTAAATGAATTAGCTGAACTAGCATCAGACATGTCTTTTTTCCCCCCA[T>C]TTACTTACGTGCATTATCCCCTTCTGGAGGCTGATAAAAAGAAAGGCCCAATGATACTAT-3'